The following is an entry in ClinVar:

NM_014141.6(CNTNAP2):c.755-147G>T

Gene: CNTNAP2 (contactin associated protein 2; plus strand). Cytogenetic location: 7q35.
Variant type: single nucleotide variant.
Coding change: c.755-147G>T on transcript NM_014141.6 (MANE Select); 147 bases into the intron before coding-DNA position 755, G replaced by T.
Molecular consequence: intron variant.
Genome position (GRCh38, 1-based): chr7:147,120,832, G>T. VCF-style: chr7-147120832-G-T. GRCh37 (hg19) VCF-style: chr7-146817924-G-T.
Identifiers: ClinVar variation 677335 (VCV000677335.2), dbSNP rs112859389, ClinGen allele CA168689452.

ClinVar aggregate classification (germline): Benign. Review status: criteria provided, multiple submitters, no conflicts (2 of 4 stars). 2 submissions from 2 submitters: Benign (2). Last evaluated 2018-06-19.

Allele frequency attached by ClinVar (database versions not stated): 1000 Genomes Project 0.03494; 1000 Genomes Project 30x 0.03654; TOPMed 0.03804.
gnomAD v4.1: 8,284 of 741,184 alleles (1.1%); highest among the groups gnomAD compares: African/African-American, 12%; 393 homozygotes.

Submissions (2):

GeneDx
Classification: Benign. Last evaluated: 2018-06-19. Review status: criteria provided, single submitter. Criteria: GeneDx Variant Classification (06012015). Collection method: clinical testing. Allele origin: germline. Affected: yes.
Comment: This variant is considered likely benign or benign based on one or more of the following criteria: it is a conservative change, it occurs at a poorly conserved position in the protein, it is predicted to be benign by multiple in silico algorithms, and/or has population frequency not consistent with disease.

Breakthrough Genomics
Classification: Benign. Review status: criteria provided, single submitter. Criteria: ACMG Guidelines, 2015. Collection method: not provided. Allele origin: germline. Inheritance: Autosomal recessive inheritance. Affected: yes.